The following is an entry in ClinVar:

ClinVar aggregate classification (germline): Uncertain significance (0 of 4 stars; one submission).

Conditions:
PLXNA2-related disorder. Also called: PLXNA2-related condition.

Allele frequency attached by ClinVar (database versions not stated): ExAC 0.00001; gnomAD exomes 0.00001; TOPMed 0.00001; gnomAD 0.00002.
gnomAD v4.1: 24 of 1,614,110 alleles (0.0015%); highest among the groups gnomAD compares: Middle Eastern, 0.016%; no homozygotes.

Submission:

PreventionGenetics, part of Exact Sciences
Classification: Uncertain significance for PLXNA2-related condition. Last evaluated: 2024-01-18. Review status: no assertion criteria provided. Collection method: clinical testing. Allele origin: germline.
Comment: The PLXNA2 c.1046C>T variant is predicted to result in the amino acid substitution p.Pro349Leu. To our knowledge, this variant has not been reported in the literature. This variant is reported in 0.0062% of alleles in individuals of African descent in gnomAD. At this time, the clinical significance of this variant is uncertain due to the absence of conclusive functional and genetic evidence.

NM_025179.4(PLXNA2):c.1046C>T (p.Pro349Leu)

Gene: PLXNA2 (plexin A2; minus strand). Cytogenetic location: 1q32.2.
Variant type: single nucleotide variant.
Coding change: c.1046C>T on transcript NM_025179.4 (MANE Select); coding-DNA position 1046, C replaced by T.
Protein change: p.Pro349Leu; replaces proline 349 with leucine.
Molecular consequence: missense variant.
Genome position (GRCh38, 1-based): chr1:208,216,877, G>A on the plus strand (C>T on the coding strand, the complement: PLXNA2 is on the minus strand). VCF-style: chr1-208216877-G-A. GRCh37 (hg19) VCF-style: chr1-208390222-G-A.
Other names: short protein forms P349L.
Identifiers: ClinVar variation 3030768 (VCV003030768.2), dbSNP rs756471942, ClinGen allele CA1373985.